The following is an entry in ClinVar:

ClinVar aggregate classification (germline): Uncertain significance (1 of 4 stars; one submission).

Submission:

Ambry Genetics
Classification: Uncertain significance. Last evaluated: 2024-08-24. Review status: criteria provided, single submitter. Criteria: Ambry Variant Classification Scheme 2023. Collection method: clinical testing. Allele origin: germline.
Comment: The p.Q786K variant (also known as c.2356C>A), located in coding exon 21 of the PRKDC gene, results from a C to A substitution at nucleotide position 2356. The glutamine at codon 786 is replaced by lysine, an amino acid with similar properties. This amino acid position is conserved. In addition, this alteration is predicted to be tolerated by in silico analysis. Based on the available evidence, the clinical significance of this variant remains unclear.

NM_006904.7(PRKDC):c.2356C>A (p.Gln786Lys)

Gene: PRKDC (protein kinase, DNA-activated, catalytic subunit; minus strand). Cytogenetic location: 8q11.21.
Variant type: single nucleotide variant.
Coding change: c.2356C>A on transcript NM_006904.7 (MANE Select); coding-DNA position 2356, C replaced by A.
Protein change: p.Gln786Lys; replaces glutamine 786 with lysine.
Molecular consequence: missense variant.
Genome position (GRCh38, 1-based): chr8:47,927,257, G>T on the plus strand (C>A on the coding strand, the complement: PRKDC is on the minus strand). VCF-style: chr8-47927257-G-T. GRCh37 (hg19) VCF-style: chr8-48839817-G-T.
Other names: c.2356C>A, p.Gln786Lys (NM_001081640.2); short protein forms Q786K.
Identifiers: ClinVar variation 3425214 (VCV003425214.1).